The following is an entry in ClinVar:

ClinVar aggregate classification (germline): Uncertain significance (1 of 4 stars; one submission).

Conditions:
Inborn genetic diseases. Identifiers: MedGen C0950123, MeSH D030342.

Allele frequency attached by ClinVar (database versions not stated): ExAC 0.00001; gnomAD 0.00001; TOPMed 0.00002.
gnomAD v4.1: 5 of 1,602,446 alleles (0.00031%); highest among the groups gnomAD compares: East Asian, 0.0089%; no homozygotes.

Submission:

Ambry Genetics
Classification: Uncertain significance for Inborn genetic diseases. Last evaluated: 2017-03-14. Review status: criteria provided, single submitter. Criteria: Ambry Variant Classification Scheme 2023. Collection method: clinical testing. Allele origin: germline.
Comment: The p.R526K variant (also known as c.1577G>A), located in coding exon 10 of the SCN8A gene, results from a G to A substitution at nucleotide position 1577. The arginine at codon 526 is replaced by lysine, an amino acid with highly similar properties. This amino acid position is well conserved in available vertebrate species. In addition, this alteration is predicted to be tolerated by in silico analysis. Since supporting evidence is limited at this time, the clinical significance of this alteration remains unclear.

NM_001330260.2(SCN8A):c.1577G>A (p.Arg526Lys)

Gene: SCN8A (sodium voltage-gated channel alpha subunit 8; plus strand). Cytogenetic location: 12q13.13.
Variant type: single nucleotide variant.
Coding change: c.1577G>A on transcript NM_001330260.2 (MANE Select); coding-DNA position 1577, G replaced by A.
Protein change: p.Arg526Lys; replaces arginine 526 with lysine.
Molecular consequence: missense variant.
Genome position (GRCh38, 1-based): chr12:51,706,657, G>A. VCF-style: chr12-51706657-G-A. GRCh37 (hg19) VCF-style: chr12-52100441-G-A.
Other names: c.1577G>A, p.Arg526Lys (NM_001177984.3, NM_001369788.1, NM_014191.4); short protein forms R526K.
Identifiers: ClinVar variation 588891 (VCV000588891.5), dbSNP rs773875275, ClinGen allele CA6571281.